The following is an entry in ClinVar:

ClinVar aggregate classification (germline): Uncertain significance (1 of 4 stars; one submission).

Conditions:
Hereditary cancer-predisposing syndrome. Also called: Neoplastic Syndromes, Hereditary; Tumor predisposition; Hereditary neoplastic syndrome; Hereditary Cancer Syndrome. Identifiers: Orphanet 140162, MedGen C0027672, MeSH D009386, MONDO:0015356.

Submission:

Ambry Genetics
Classification: Uncertain significance for Hereditary cancer-predisposing syndrome. Last evaluated: 2026-07-07. Review status: criteria provided, single submitter. Criteria: Ambry Variant Classification Scheme 2023. Collection method: clinical testing. Allele origin: germline.
Comment: The p.Q1952P variant (also known as c.5855A>C), located in coding exon 15 of the APC gene, results from an A to C substitution at nucleotide position 5855. The glutamine at codon 1952 is replaced by proline, an amino acid with similar properties. This amino acid position is conserved. In addition, in silico predictors for this gene do not accurately predict pathogenicity. Based on the available evidence, the clinical significance of this variant remains unclear.

NM_000038.6(APC):c.5855A>C (p.Gln1952Pro)

Gene: APC (APC regulator of Wnt signaling pathway; plus strand). Cytogenetic location: 5q22.2.
Variant type: single nucleotide variant.
Coding change: c.5855A>C on transcript NM_000038.6 (MANE Select); coding-DNA position 5855, A replaced by C.
Protein change: p.Gln1952Pro; replaces glutamine 1952 with proline.
Molecular consequence: missense variant. On other transcripts: non-coding transcript variant (2).
Genome position (GRCh38, 1-based): chr5:112,841,449, A>C. VCF-style: chr5-112841449-A-C. GRCh37 (hg19) VCF-style: chr5-112177146-A-C.
Other names: c.5606A>C, p.Gln1869Pro (NM_001407454.1, NM_001407455.1, NM_001407456.1 and 1 more transcripts); c.5552A>C, p.Gln1851Pro (NM_001407458.1, NM_001407459.1, NM_001354903.2 and 1 more transcripts); c.5855A>C, p.Gln1952Pro (NM_001127510.3, NM_001354895.2, NM_001407450.1); c.5801A>C, p.Gln1934Pro (NM_001127511.3); c.5909A>C, p.Gln1970Pro (NM_001354896.2, NM_001407447.1, NM_001407448.1 and 1 more transcripts); c.5885A>C, p.Gln1962Pro (NM_001354897.2); c.5780A>C, p.Gln1927Pro (NM_001354898.2); c.5771A>C, p.Gln1924Pro (NM_001354899.2); and 11 more; short protein forms Q1826P, Q1893P, Q1911P, Q1924P, Q1927P, Q1945P, Q1861P, Q1952P.
Identifiers: ClinVar variation 5024372 (VCV005024372.1).